The following is an entry in ClinVar:

NM_020433.5(JPH2):c.1529G>A (p.Gly510Asp)

Gene: JPH2 (junctophilin 2; minus strand). Cytogenetic location: 20q13.12.
Variant type: single nucleotide variant.
Coding change: c.1529G>A on transcript NM_020433.5 (MANE Select); coding-DNA position 1529, G replaced by A.
Protein change: p.Gly510Asp; replaces glycine 510 with aspartic acid.
Molecular consequence: missense variant.
Genome position (GRCh38, 1-based): chr20:44,116,146, C>T on the plus strand (G>A on the coding strand, the complement: JPH2 is on the minus strand). VCF-style: chr20-44116146-C-T. GRCh37 (hg19) VCF-style: chr20-42744786-C-T.
Other names: short protein forms G510D.
Identifiers: ClinVar variation 1716672 (VCV001716672.5), dbSNP rs1182932862, ClinGen allele CA409100444.

ClinVar aggregate classification (germline): Uncertain significance (1 of 4 stars; one submission).

Conditions:
Hypertrophic cardiomyopathy. Also called: HYPERTROPHIC MYOCARDIOPATHY. Identifiers: Orphanet 217569, MedGen C0007194, MeSH D002312, MONDO:0005045, HP:0001639.

Allele frequency attached by ClinVar (database versions not stated): TOPMed below 0.00001; gnomAD 0.00001; gnomAD exomes 0.00001.
gnomAD v4.1: 5 of 1,434,060 alleles (0.00035%); highest among the groups gnomAD compares: South Asian, 0.0044%; no homozygotes.

Submission:

Labcorp Genetics (formerly Invitae), Labcorp
Classification: Uncertain significance for Hypertrophic cardiomyopathy. Last evaluated: 2022-08-18. Review status: criteria provided, single submitter. Criteria: Invitae Variant Classification Sherloc (09022015). Collection method: clinical testing. Allele origin: germline.
Comment: In summary, the available evidence is currently insufficient to determine the role of this variant in disease. Therefore, it has been classified as a Variant of Uncertain Significance. Algorithms developed to predict the effect of missense changes on protein structure and function are either unavailable or do not agree on the potential impact of this missense change (SIFT: "Tolerated"; PolyPhen-2: "Possibly Damaging"; Align-GVGD: "Class C0"). This variant has not been reported in the literature in individuals affected with JPH2-related conditions. This variant is not present in population databases (gnomAD no frequency). This sequence change replaces glycine, which is neutral and non-polar, with aspartic acid, which is acidic and polar, at codon 510 of the JPH2 protein (p.Gly510Asp).